The following is an entry in ClinVar:

NM_001377458.1(CLCC1):c.562-1G>A

Gene: CLCC1 (chloride channel CLIC like 1; minus strand). Cytogenetic location: 1p13.3.
Variant type: single nucleotide variant.
Coding change: c.562-1G>A on transcript NM_001377458.1 (MANE Select); the canonical splice acceptor site of the intron before coding-DNA position 562, G replaced by A.
Molecular consequence: splice acceptor variant. On other transcripts: intron variant (2).
Genome position (GRCh38, 1-based): chr1:108,943,616, C>T on the plus strand (G>A on the coding strand, the complement: CLCC1 is on the minus strand). VCF-style: chr1-108943616-C-T. GRCh37 (hg19) VCF-style: chr1-109486238-C-T.
Other names: c.562-1G>A (NM_001377464.1, NM_001377462.1, NM_001377467.1 and 8 more transcripts); c.460-1G>A (NM_001377469.1); c.412-1G>A (NM_015127.5); c.271-1G>A (NM_001377470.1); c.340-2118G>A (NM_001278202.2); c.340-3834G>A (NM_001278203.1).
Identifiers: ClinVar variation 936194 (VCV000936194.8), dbSNP rs1654133150, ClinGen allele CA341462926.

ClinVar aggregate classification (germline): Uncertain significance (1 of 4 stars; one submission).

Submission:

Labcorp Genetics (formerly Invitae), Labcorp
Classification: Uncertain significance. Last evaluated: 2019-07-29. Review status: criteria provided, single submitter. Criteria: Invitae Variant Classification Sherloc (09022015). Collection method: clinical testing. Allele origin: germline.
Comment: In summary, the available evidence is currently insufficient to determine the role of this variant in disease. Therefore, it has been classified as a Variant of Uncertain Significance. The current clinical and genetic evidence is not sufficient to establish whether loss-of-function variants in CLCC1 cause disease. Algorithms developed to predict the effect of sequence changes on RNA splicing suggest that this variant may disrupt the consensus splice site, but this prediction has not been confirmed by published transcriptional studies. This variant has not been reported in the literature in individuals with CLCC1-related conditions. This variant is not present in population databases (ExAC no frequency). This sequence change affects an acceptor splice site in intron 5 of the CLCC1 gene. It is expected to disrupt RNA splicing and likely results in an absent or disrupted protein product.